The following is an entry in ClinVar:

NM_007294.4(BRCA1):c.347A>G (p.Glu116Gly)

Gene: BRCA1 (BRCA1 DNA repair associated; minus strand). Cytogenetic location: 17q21.31.
Variant type: single nucleotide variant.
Coding change: c.347A>G on transcript NM_007294.4 (MANE Select); coding-DNA position 347, A replaced by G.
Protein change: p.Glu116Gly; replaces glutamic acid 116 with glycine.
Molecular consequence: missense variant. On other transcripts: non-coding transcript variant (1).
Genome position (GRCh38, 1-based): chr17:43,104,216, T>C on the plus strand (A>G on the coding strand, the complement: BRCA1 is on the minus strand). VCF-style: chr17-43104216-T-C. GRCh37 (hg19) VCF-style: chr17-41256233-T-C.
Other names: c.347A>G, p.Glu116Gly (NM_001407860.1, NM_001407861.1, NM_001407863.1 and 165 more transcripts); c.269A>G, p.Glu90Gly (NM_001407862.1, NM_001407874.1, NM_001407875.1 and 21 more transcripts); c.137A>G, p.Glu46Gly (NM_001407879.1, NM_001407881.1, NM_001407882.1 and 58 more transcripts); c.206A>G, p.Glu69Gly (NM_001407920.1, NM_001407921.1, NM_001407922.1 and 99 more transcripts); c.-35A>G (NM_001407959.1, NM_001407960.1, NM_001407962.1 and 4 more transcripts); c.338A>G, p.Glu113Gly (NM_001408408.1, NM_001407646.1, NM_001407647.1); c.215A>G, p.Glu72Gly (NM_001408451.1); short protein forms E116G, E69G, E113G, E46G, E72G, E90G.
Identifiers: ClinVar variation 823821 (VCV000823821.22), dbSNP rs1597896908, ClinGen allele CA10601453.

ClinVar aggregate classification (germline): Conflicting classifications of pathogenicity. Review status: criteria provided, conflicting classifications (1 of 4 stars). 4 submissions from 4 submitters: Uncertain significance (3); Likely benign (1). Last evaluated 2024-10-28.

Conditions:
Hereditary breast ovarian cancer syndrome. Also called: BRCA1- and BRCA2-Associated Hereditary Breast and Ovarian Cancer; Hereditary breast and ovarian cancer syndrome (HBOC); Hereditary breast and ovarian cancer syndrome; Breast and ovarian cancer; Hereditary breast and ovarian cancer; Hereditary breast and/or ovarian cancer syndrome. Identifiers: Orphanet 145, MedGen C0677776, MeSH D061325, MONDO:0003582. Disease mechanism: loss of function.
Hereditary cancer-predisposing syndrome. Also called: Hereditary Cancer Syndrome; Hereditary neoplastic syndrome; Neoplastic Syndromes, Hereditary; Tumor predisposition. Identifiers: Orphanet 140162, MedGen C0027672, MeSH D009386, MONDO:0015356.
Breast-ovarian cancer, familial, susceptibility to, 1 (BROVCA1). Also called: OVARIAN CANCER, SUSCEPTIBILITY TO; BRCA1 Hereditary Breast and Ovarian Cancer. Identifiers: Orphanet 145, MedGen C2676676, MONDO:0011450, OMIM 604370. Disease mechanism: loss of function.

Allele frequency attached by ClinVar (database versions not stated): TOPMed below 0.00001.

Submissions (4):

Ambry Genetics
Classification: Uncertain significance for Hereditary cancer-predisposing syndrome. Last evaluated: 2024-10-28. Review status: criteria provided, single submitter. Criteria: Ambry Variant Classification Scheme 2023. Collection method: clinical testing. Allele origin: germline.
Comment: The p.E116G variant (also known as c.347A>G), located in coding exon 5 of the BRCA1 gene, results from an A to G substitution at nucleotide position 347. The glutamic acid at codon 116 is replaced by glycine, an amino acid with similar properties. In one high throughput functional study, this variant was shown to impair both BARD1 binding activity and E3 Ubiquitin ligase function of the protein (Starita LM et al. Genetics, 2015 Jun;200:413-22). This amino acid position is highly conserved in available vertebrate species. In addition, this alteration is predicted to be deleterious by in silico analysis. Based on the available evidence, the clinical significance of this variant remains unclear.

Labcorp Genetics (formerly Invitae), Labcorp
Classification: Uncertain significance for Hereditary breast ovarian cancer syndrome. Last evaluated: 2024-08-14. Review status: criteria provided, single submitter. Criteria: Invitae Variant Classification Sherloc (09022015). Collection method: clinical testing. Allele origin: germline.
Comment: This sequence change replaces glutamic acid, which is acidic and polar, with glycine, which is neutral and non-polar, at codon 116 of the BRCA1 protein (p.Glu116Gly). This variant is not present in population databases (gnomAD no frequency). This variant has not been reported in the literature in individuals affected with BRCA1-related conditions. ClinVar contains an entry for this variant (Variation ID: 823821). Invitae Evidence Modeling of protein sequence and biophysical properties (such as structural, functional, and spatial information, amino acid conservation, physicochemical variation, residue mobility, and thermodynamic stability) indicates that this missense variant is not expected to disrupt BRCA1 protein function with a negative predictive value of 95%. In summary, the available evidence is currently insufficient to determine the role of this variant in disease. Therefore, it has been classified as a Variant of Uncertain Significance.

Myriad Genetics, Inc.
Classification: Likely benign for Breast-ovarian cancer, familial, susceptibility to, 1. Last evaluated: 2024-04-09. Review status: criteria provided, single submitter. Criteria: Myriad Autosomal Dominant, Autosomal Recessive and X-Linked Classification Criteria (2023). Collection method: clinical testing. Allele origin: unknown.
Comment: This variant is considered likely benign. This variant is strongly associated with less severe personal and family histories of cancer, typical for individuals without pathogenic variants in this gene [PMID: 25085752].

Quest Diagnostics Nichols Institute San Juan Capistrano
Classification: Uncertain significance. Last evaluated: 2019-11-11. Review status: criteria provided, single submitter. Criteria: Quest Diagnostics criteria. Collection method: clinical testing. Allele origin: unknown.

Literature cited by the submitters: PubMed 12170759 (cited by Ambry Genetics); PubMed 25823446 (cited by Ambry Genetics); PubMed 25085752 (cited by Myriad Genetics, Inc.).